The following is an entry in ClinVar:

ClinVar aggregate classification (germline): Pathogenic (1 of 4 stars; one submission).

Conditions:
Hereditary cancer-predisposing syndrome. Also called: Neoplastic Syndromes, Hereditary; Tumor predisposition; Hereditary Cancer Syndrome; Hereditary neoplastic syndrome. Identifiers: Orphanet 140162, MedGen C0027672, MeSH D009386, MONDO:0015356.

Submission:

Ambry Genetics
Classification: Pathogenic for Hereditary cancer-predisposing syndrome. Last evaluated: 2019-10-28. Review status: criteria provided, single submitter. Criteria: Ambry Variant Classification Scheme 2023. Collection method: clinical testing. Allele origin: germline.
Comment: The c.2034_2037dupGTCA pathogenic mutation, located in coding exon 13 of the RAD50 gene, results from a duplication of GTCA at nucleotide position 2034, causing a translational frameshift with a predicted alternate stop codon (p.C680Vfs*15). This alteration is expected to result in loss of function by premature protein truncation or nonsense-mediated mRNA decay. As such, this alteration is interpreted as a disease-causing mutation.

NM_005732.4(RAD50):c.2034_2037dup (p.Cys680fs)

Gene: RAD50 (RAD50 double strand break repair protein; plus strand). Cytogenetic location: 5q31.1.
Variant type: Duplication.
Coding change: c.2034_2037dup on transcript NM_005732.4 (MANE Select); coding-DNA positions 2034 to 2037, 4 bases duplicated (GTCA; older notation c.2034_2037dupGTCA).
Protein change: p.Cys680fs; shifts the reading frame from cysteine 680.
Molecular consequence: frameshift variant.
Genome position (GRCh38, 1-based): chr5:132,595,637-132,595,640, GTCA duplicated; duplicating any 4 consecutive bases within chr5:132,595,635-132,595,640 gives the same sequence; the c. name uses the placement nearest the transcript's 3' end. VCF-style (leftmost placement, unchanged base first): chr5-132595634-C-CCAGT. GRCh37 (hg19) VCF-style: chr5-131931326-C-CCAGT.
Other names: short protein forms C680fs.
Identifiers: ClinVar variation 820529 (VCV000820529.4), dbSNP rs1580996988, ClinGen allele CA915943556.